The following is an entry in ClinVar:

NM_001367479.1(DNAH14):c.5057G>A (p.Arg1686His)

Gene: DNAH14 (dynein axonemal heavy chain 14; plus strand). Cytogenetic location: 1q42.12.
Variant type: single nucleotide variant.
Coding change: c.5057G>A on transcript NM_001367479.1 (MANE Select); coding-DNA position 5057, G replaced by A.
Protein change: p.Arg1686His; replaces arginine 1686 with histidine.
Molecular consequence: missense variant.
Genome position (GRCh38, 1-based): chr1:225,152,744, G>A. VCF-style: chr1-225152744-G-A. GRCh37 (hg19) VCF-style: chr1-225340446-G-A.
Other names: NM_001373.1:c.5006G>A; short protein forms R1686H.
Identifiers: ClinVar variation 3083648 (VCV003083648.2), dbSNP rs530709450, ClinGen allele CA1416084.

ClinVar aggregate classification (germline): Uncertain significance. Review status: criteria provided, multiple submitters, no conflicts (2 of 4 stars). 2 submissions from 2 submitters: Uncertain significance (2). Last evaluated 2026-04-17.

Allele frequency attached by ClinVar (database versions not stated): TOPMed 0.00023; 1000 Genomes Project 0.00040; gnomAD 0.00014; ExAC 0.00028; 1000 Genomes Project 30x 0.00031.
gnomAD v4.1: 113 of 1,550,982 alleles (0.0073%); highest among the groups gnomAD compares: Admixed American, 0.039%; 1 homozygote.

Submissions (2):

GeneDx
Classification: Uncertain significance. Last evaluated: 2026-04-17. Review status: criteria provided, single submitter. Criteria: GeneDx Variant Classification Process June 2021. Collection method: clinical testing. Allele origin: germline.
Comment: In silico analysis supports that this missense variant has a deleterious effect on protein structure/function; Has not been previously published as pathogenic or benign to our knowledge

Ambry Genetics
Classification: Uncertain significance. Last evaluated: 2024-02-02. Review status: criteria provided, single submitter. Criteria: Ambry Variant Classification Scheme 2023. Collection method: clinical testing. Allele origin: germline.